The following is an entry in ClinVar:

ClinVar aggregate classification (germline): Pathogenic (1 of 4 stars; one submission).

Conditions:
Polycystic kidney disease, adult type (PKD1). Also called: POLYCYSTIC KIDNEY DISEASE, ADULT, TYPE I; Polycystic Kidney Disease 1, Autosomal Dominant; Polycystic kidney disease 1; Polycystic kidney disease 1, severe; Polycystic Kidney, Autosomal Dominant; POLYCYSTIC KIDNEY DISEASE 1 WITH OR WITHOUT POLYCYSTIC LIVER DISEASE. Identifiers: MedGen C3149841, MONDO:0008263, OMIM 173900.

Submission:

Victorian Clinical Genetics Services, Murdoch Childrens Research Institute
Classification: Pathogenic for Polycystic kidney disease, adult type. Last evaluated: 2024-10-08. Review status: criteria provided, single submitter. Criteria: ACMG Guidelines, 2015. Collection method: clinical testing. Allele origin: germline. Inheritance: Autosomal dominant inheritance. Affected: yes.
Comment: Based on the classification scheme VCGS_Germline_v1.3.4, this variant is classified as Pathogenic. Following criteria are met: 0102 - Loss of function is a known mechanism of disease in this gene and is associated with polycystic kidney disease (MIM#173900). (I) 0107 - This gene is associated with autosomal dominant disease. Polycystic kidney disease 1 (MIM#173900) is predominantly caused by monoallelic variants, with rare reports of biallelic variants causing disease (OMIM). (I) 0201 - Variant is predicted to cause nonsense-mediated decay (NMD) and loss of protein (premature termination codon is located at least 54 nucleotides upstream of the final exon-exon junction). (SP) 0251 - This variant is heterozygous. (I) 0301 - Variant is absent from gnomAD (both v2 and v3). (SP) 0701 - Other NMD-predicted variants comparable to the one identified in this case have very strong previous evidence for pathogenicity. There are many NMD-predicted variants in PKD1 with strong evidence for pathogenicity (ClinVar). (SP) 0803 - This variant has limited previous evidence of pathogenicity in an unrelated individuals. This variant has been reported once as pathogenic in an individual with polycystic kidney disease (ClinVar). (SP) 0905 - No published segregation evidence has been identified for this variant. (I) 1007 - No published functional evidence has been identified for this variant. (I) 1208 - Inheritance information for this variant is not currently available in this individual. (I) Legend: (SP) - Supporting pathogenic, (I) - Information, (SB) - Supporting benign

NM_001009944.3(PKD1):c.11277C>A (p.Tyr3759Ter)

Genes: PKD1-AS1 (PKD1 antisense RNA 1; plus strand), PKD1 (polycystin 1, transient receptor potential channel interacting; minus strand). Cytogenetic location: 16p13.3.
Variant type: single nucleotide variant.
Coding change: c.11277C>A on transcript NM_001009944.3 (MANE Select); coding-DNA position 11277, C replaced by A.
Protein change: p.Tyr3759Ter; replaces tyrosine 3759 with a stop codon.
Molecular consequence: nonsense.
Genome position (GRCh38, 1-based): chr16:2,092,181, G>T on the plus strand (C>A on the coding strand, the complement: PKD1 is on the minus strand). VCF-style: chr16-2092181-G-T. GRCh37 (hg19) VCF-style: chr16-2142182-G-T.
Other names: c.11274C>A, p.Tyr3758Ter (NM_000296.4); short protein forms Y3758*, Y3759*.
Identifiers: ClinVar variation 3376933 (VCV003376933.1).
Genomic context (GRCh38, chr16:2,092,181, plus strand): 5'-GCTGGTGCTGAAGCCTCCTGCGGCCGAGCACGTGTGGACCCTGGGGCCGGGAGGGTCTGG[G>T]TAGAGTGCTGAAACACACAGAGCCCCAGGCCGGGGCCAGGGCCTCATCAAAACCCAACAG-3'